The following is an entry in ClinVar:

ClinVar aggregate classification (germline): Uncertain significance (1 of 4 stars; one submission).

Conditions:
Cystic fibrosis (CF). Also called: MUCOVISCIDOSIS. Identifiers: Orphanet 586, MedGen C0010674, MONDO:0009061, OMIM 219700. Disease mechanism: loss of function.

gnomAD v4.1: 1 of 1,610,428 alleles (0.000062%); highest among the groups gnomAD compares: Non-Finnish European, 0.000085%; no homozygotes.

Submission:

Labcorp Genetics (formerly Invitae), Labcorp
Classification: Uncertain significance for Cystic fibrosis. Last evaluated: 2024-10-30. Review status: criteria provided, single submitter. Criteria: Invitae Variant Classification Sherloc (09022015). Collection method: clinical testing. Allele origin: germline.
Comment: This sequence change replaces leucine, which is neutral and non-polar, with methionine, which is neutral and non-polar, at codon 475 of the CFTR protein (p.Leu475Met). This variant is not present in population databases (gnomAD no frequency). This variant has not been reported in the literature in individuals affected with CFTR-related conditions. Invitae Evidence Modeling of protein sequence and biophysical properties (such as structural, functional, and spatial information, amino acid conservation, physicochemical variation, residue mobility, and thermodynamic stability) has been performed for this missense variant. However, the output from this modeling did not meet the statistical confidence thresholds required to predict the impact of this variant on CFTR protein function. In summary, the available evidence is currently insufficient to determine the role of this variant in disease. Therefore, it has been classified as a Variant of Uncertain Significance.

NM_000492.4(CFTR):c.1423C>A (p.Leu475Met)

Genes: CFTR (CF transmembrane conductance regulator; plus strand), CFTR-AS1 (CFTR antisense RNA 1; minus strand). Cytogenetic location: 7q31.2.
Variant type: single nucleotide variant.
Coding change: c.1423C>A on transcript NM_000492.4 (MANE Select); coding-DNA position 1423, C replaced by A.
Protein change: p.Leu475Met; replaces leucine 475 with methionine.
Molecular consequence: missense variant.
Genome position (GRCh38, 1-based): chr7:117,559,494, C>A. VCF-style: chr7-117559494-C-A. GRCh37 (hg19) VCF-style: chr7-117199548-C-A.
Other names: short protein forms L475M.
Identifiers: ClinVar variation 3719594 (VCV003719594.2).
Genomic context (GRCh38, chr7:117,559,494, plus strand): 5'-TGACCTAATAATGATGGGTTTTATTTCCAGACTTCACTTCTAATGGTGATTATGGGAGAA[C>A]TGGAGCCTTCAGAGGGTAAAATTAAGCACAGTGGAAGAATTTCATTCTGTTCTCAGTTTT-3'
Protein context (NP_000483.3, residues 465-485): TSLLMVIMGE[Leu475Met]EPSEGKIKHS